The following is an entry in ClinVar:

NM_033026.6(PCLO):c.6194A>G (p.Tyr2065Cys)

Gene: PCLO (piccolo presynaptic cytomatrix protein; minus strand). Cytogenetic location: 7q21.11.
Variant type: single nucleotide variant.
Coding change: c.6194A>G on transcript NM_033026.6 (MANE Select); coding-DNA position 6194, A replaced by G.
Protein change: p.Tyr2065Cys; replaces tyrosine 2065 with cysteine.
Molecular consequence: missense variant.
Genome position (GRCh38, 1-based): chr7:82,954,759, T>C on the plus strand (A>G on the coding strand, the complement: PCLO is on the minus strand). VCF-style: chr7-82954759-T-C. GRCh37 (hg19) VCF-style: chr7-82584075-T-C.
Other names: c.6194A>G, p.Tyr2065Cys (NM_014510.3); short protein forms Y2065C.
Identifiers: ClinVar variation 1363097 (VCV001363097.8), dbSNP rs1795465398, ClinGen allele CA367920331.

ClinVar aggregate classification (germline): Uncertain significance (1 of 4 stars; one submission).

Allele frequency attached by ClinVar (database versions not stated): gnomAD exomes below 0.00001; gnomAD 0.00001.
gnomAD v4.1: 7 of 1,613,714 alleles (0.00043%); highest among the groups gnomAD compares: South Asian, 0.0044%; no homozygotes.

Submission:

Labcorp Genetics (formerly Invitae), Labcorp
Classification: Uncertain significance. Last evaluated: 2022-07-26. Review status: criteria provided, single submitter. Criteria: Invitae Variant Classification Sherloc (09022015). Collection method: clinical testing. Allele origin: germline.
Comment: This sequence change replaces tyrosine, which is neutral and polar, with cysteine, which is neutral and slightly polar, at codon 2065 of the PCLO protein (p.Tyr2065Cys). This variant is not present in population databases (gnomAD no frequency). This variant has not been reported in the literature in individuals affected with PCLO-related conditions. ClinVar contains an entry for this variant (Variation ID: 1363097). Algorithms developed to predict the effect of missense changes on protein structure and function are either unavailable or do not agree on the potential impact of this missense change (SIFT: "Tolerated"; PolyPhen-2: "Not Available"; Align-GVGD: "Class C0"). In summary, the available evidence is currently insufficient to determine the role of this variant in disease. Therefore, it has been classified as a Variant of Uncertain Significance.